The following is an entry in ClinVar:

NM_001098511.3(KIF2A):c.1787C>T (p.Thr596Ile)

Gene: KIF2A (kinesin family member 2A; plus strand). Cytogenetic location: 5q12.1.
Variant type: single nucleotide variant.
Coding change: c.1787C>T on transcript NM_001098511.3 (MANE Select); coding-DNA position 1787, C replaced by T.
Protein change: p.Thr596Ile; replaces threonine 596 with isoleucine.
Molecular consequence: missense variant.
Genome position (GRCh38, 1-based): chr5:62,373,713, C>T. VCF-style: chr5-62373713-C-T. GRCh37 (hg19) VCF-style: chr5-61669540-C-T.
Other names: c.1592C>T, p.Thr531Ile (NM_001243952.2); c.1616C>T, p.Thr539Ile (NM_001243953.2); c.1673C>T, p.Thr558Ile (NM_004520.5); short protein forms T531I, T539I, T558I, T596I.
Identifiers: ClinVar variation 1717167 (VCV001717167.5), dbSNP rs1189394916, ClinGen allele CA359821353.
Genomic context (GRCh38, chr5:62,373,713, plus strand): 5'-TTTTTAACTTTAGATACCTCTTATGTATTTATAGGGTCAAAGAATTGACTGTAGATCCAA[C>T]TGCTGCTGGTGATGTTCGTCCAATAATGCACCATCCACCAAACCAGATTGATGACTTAGA-3'
Protein context (NP_001091981.1, residues 586-606): TRVKELTVDP[Thr596Ile]AAGDVRPIMH

ClinVar aggregate classification (germline): Uncertain significance (1 of 4 stars; one submission).

Allele frequency attached by ClinVar (database versions not stated): gnomAD exomes below 0.00001.
gnomAD v4.1: 1 of 1,613,566 alleles (0.000062%); highest among the groups gnomAD compares: Admixed American, 0.0017%; no homozygotes.

Submission:

Labcorp Genetics (formerly Invitae), Labcorp
Classification: Uncertain significance. Last evaluated: 2022-08-20. Review status: criteria provided, single submitter. Criteria: Invitae Variant Classification Sherloc (09022015). Collection method: clinical testing. Allele origin: germline.
Comment: This sequence change replaces threonine, which is neutral and polar, with isoleucine, which is neutral and non-polar, at codon 596 of the KIF2A protein (p.Thr596Ile). This variant is present in population databases (no rsID available, gnomAD 0.003%). This variant has not been reported in the literature in individuals affected with KIF2A-related conditions. Algorithms developed to predict the effect of missense changes on protein structure and function (SIFT, PolyPhen-2, Align-GVGD) all suggest that this variant is likely to be tolerated. In summary, the available evidence is currently insufficient to determine the role of this variant in disease. Therefore, it has been classified as a Variant of Uncertain Significance.